The following is an entry in ClinVar:

NM_001267550.2(TTN):c.11913G>C (p.Trp3971Cys)

Gene: TTN (titin; minus strand). Cytogenetic location: 2q31.2.
Variant type: single nucleotide variant.
Coding change: c.11913G>C on transcript NM_001267550.2 (MANE Select); coding-DNA position 11913, G replaced by C.
Protein change: p.Trp3971Cys; replaces tryptophan 3971 with cysteine.
Molecular consequence: missense variant. On other transcripts: intron variant (1).
Genome position (GRCh38, 1-based): chr2:178,741,320, C>G on the plus strand (G>C on the coding strand, the complement: TTN is on the minus strand). VCF-style: chr2-178741320-C-G. GRCh37 (hg19) VCF-style: chr2-179606047-C-G.
Other names: c.10962G>C, p.Trp3654Cys (NM_001256850.1); c.10824G>C, p.Trp3608Cys (NM_003319.4); c.11199G>C, p.Trp3733Cys (NM_133432.3); c.11400G>C, p.Trp3800Cys (NM_133437.4); c.10361-2960G>C (NM_133378.4); short protein forms W3608C, W3654C, W3733C, W3800C, W3971C.
Identifiers: ClinVar variation 4084598 (VCV004084598.8).
Genomic context (GRCh38, chr2:178,741,320, plus strand): 5'-ATTAGGGTTATGAATGATAGTGTAATAAACACTGGTGCAAAGCTGCTTGTTTTCTTTGAA[C>G]CATGTAACAGTAGGGGCAGGCTCTCCAACCACTGTGTACTCAAAGATGGCAGGAAGCCCT-3'
Protein context (NP_001254479.2, residues 3961-3981): VVGEPAPTVT[Trp3971Cys]FKENKQLCTS

ClinVar aggregate classification (germline): Uncertain significance (1 of 4 stars; one submission).

Submission:

CeGaT Center for Human Genetics Tuebingen
Classification: Uncertain significance. Last evaluated: 2025-08-01. Review status: criteria provided, single submitter. Criteria: CeGaT Center For Human Genetics Tuebingen Variant Classification Criteria Version 2. Collection method: clinical testing. Allele origin: germline. Affected: yes. Observed: 1 variant allele.
Comment: TTN: PM2